The following is an entry in ClinVar:

NM_000092.5(COL4A4):c.817G>A (p.Gly273Ser)

Gene: COL4A4 (collagen type IV alpha 4 chain; minus strand). Cytogenetic location: 2q36.3.
Variant type: single nucleotide variant.
Coding change: c.817G>A on transcript NM_000092.5 (MANE Select); coding-DNA position 817, G replaced by A.
Protein change: p.Gly273Ser; replaces glycine 273 with serine.
Molecular consequence: missense variant.
Genome position (GRCh38, 1-based): chr2:227,103,197, C>T on the plus strand (G>A on the coding strand, the complement: COL4A4 is on the minus strand). VCF-style: chr2-227103197-C-T. GRCh37 (hg19) VCF-style: chr2-227967913-C-T.
Other names: short protein forms G273S.
Identifiers: ClinVar variation 4817350 (VCV004817350.2).

ClinVar aggregate classification (germline): Conflicting classifications of pathogenicity. Review status: criteria provided, conflicting classifications (1 of 4 stars). 2 submissions from 2 submitters: Likely pathogenic (1); Uncertain significance (1). Last evaluated 2026-03-02.

Conditions:
Alport syndrome. Also called: Hemorrhagic familial nephritis; Hemorrhagic hereditary nephritis; Congenital hereditary hematuria. Identifiers: Orphanet 63, MedGen C1567741, MONDO:0018965.

gnomAD v4.1: 2 of 1,610,496 alleles (0.00012%); highest among the groups gnomAD compares: East Asian, 0.0022%; no homozygotes.

Submissions (2):

Myriad Genetics, Inc.
Classification: Uncertain significance for Alport syndrome. Last evaluated: 2026-03-02. Review status: criteria provided, single submitter. Criteria: Myriad Autosomal Dominant, Autosomal Recessive and X-Linked Classification Criteria (2023). Collection method: clinical testing. Allele origin: unknown.
Comment: NM_000092.4(COL4A4):c.817G>A(G273S) is a missense variant classified as a variant of uncertain significance in the context of Alport syndrome, COL4A4-related. G273S has not been observed in cases with relevant disease. Relevant functional assessments of this variant are not available in the literature. G273S has been observed in referenced population frequency databases. In summary, there is insufficient evidence to classify NM_000092.4(COL4A4):c.817G>A(G273S) as pathogenic or benign. Please note: this variant was assessed in the context of healthy population screening.

Natera, Inc.
Classification: Likely pathogenic for Alport syndrome. Last evaluated: 2025-09-04. Review status: criteria provided, single submitter. Criteria: Natera Variant Classification Schema (03/2026). Collection method: clinical testing. Allele origin: germline.
Comment: The c.817G>A variant in COL4A4 is a missense variant predicted to cause substitution of glycine to serine at amino acid 273. This variant is rare in the general population with a frequency below the threshold expected for the associated phenotype(s). This variant is located in a functionally critical region of the protein. Computational prediction algorithms indicate this variant is likely to affect gene or protein function. Given the available evidence, this variant is classified as Likely Pathogenic.